The following is an entry in ClinVar:

ClinVar aggregate classification (germline): Uncertain significance. Review status: criteria provided, multiple submitters, no conflicts (2 of 4 stars). 2 submissions from 2 submitters: Uncertain significance (2). Last evaluated 2025-10-30.

Conditions:
Hereditary cancer-predisposing syndrome. Also called: Neoplastic Syndromes, Hereditary; Hereditary Cancer Syndrome; Tumor predisposition; Hereditary neoplastic syndrome. Identifiers: Orphanet 140162, MedGen C0027672, MeSH D009386, MONDO:0015356.

gnomAD v4.1: 7 of 1,614,186 alleles (0.00043%); highest among the groups gnomAD compares: Non-Finnish European, 0.00059%; no homozygotes.

Submissions (2):

Ambry Genetics
Classification: Uncertain significance for Hereditary cancer-predisposing syndrome. Last evaluated: 2025-10-30. Review status: criteria provided, single submitter. Criteria: Ambry Variant Classification Scheme 2023. Collection method: clinical testing. Allele origin: germline.
Comment: The p.C167W variant (also known as c.501C>G), located in coding exon 5 of the SMARCB1 gene, results from a C to G substitution at nucleotide position 501. This variant impacts the first base pair of coding exon 5. The cysteine at codon 167 is replaced by tryptophan, an amino acid with highly dissimilar properties. This variant was detected as heterozygous in individual(s) with no reported features of Coffin-Siris syndrome (Ambry internal data). This amino acid position is highly conserved in available vertebrate species. In addition, this alteration is predicted to be deleterious by in silico analysis. Based on the available evidence, the clinical significance of this variant remains unclear.

Labcorp Genetics (formerly Invitae), Labcorp
Classification: Uncertain significance. Last evaluated: 2025-02-20. Review status: criteria provided, single submitter. Criteria: Invitae Variant Classification Sherloc (09022015). Collection method: clinical testing. Allele origin: germline.
Comment: This sequence change replaces cysteine, which is neutral and slightly polar, with tryptophan, which is neutral and slightly polar, at codon 167 of the SMARCB1 protein (p.Cys167Trp). This variant is not present in population databases (gnomAD no frequency). This variant has not been reported in the literature in individuals affected with SMARCB1-related conditions. ClinVar contains an entry for this variant (Variation ID: 575245). An algorithm developed to predict the effect of missense changes on protein structure and function (PolyPhen-2) suggests that this variant is likely to be disruptive. In summary, the available evidence is currently insufficient to determine the role of this variant in disease. Therefore, it has been classified as a Variant of Uncertain Significance.

NM_003073.5(SMARCB1):c.501C>G (p.Cys167Trp)

Gene: SMARCB1 (SWI/SNF related BAF chromatin remodeling complex subunit B1; plus strand). Cytogenetic location: 22q11.23.
Variant type: single nucleotide variant.
Coding change: c.501C>G on transcript NM_003073.5 (MANE Select); coding-DNA position 501, C replaced by G.
Protein change: p.Cys167Trp; replaces cysteine 167 with tryptophan.
Molecular consequence: missense variant.
Genome position (GRCh38, 1-based): chr22:23,803,295, C>G. VCF-style: chr22-23803295-C-G. GRCh37 (hg19) VCF-style: chr22-24145482-C-G.
Other names: c.474C>G, p.Cys158Trp (NM_001007468.3); c.528C>G, p.His176Gln (NM_001317946.2); c.555C>G, p.His185Gln (NM_001362877.2); c.501C>G (LRG_520t1); short protein forms C167W, H176Q, H185Q, C158W.
Identifiers: ClinVar variation 575245 (VCV000575245.9), dbSNP rs779221331, ClinGen allele CA410935397.